The following is an entry in ClinVar:

ClinVar aggregate classification (germline): Uncertain significance. Review status: criteria provided, multiple submitters, no conflicts (2 of 4 stars). 2 submissions from 2 submitters: Uncertain significance (2). Last evaluated 2024-10-15.

Allele frequency attached by ClinVar (database versions not stated): ExAC 0.00003; gnomAD exomes 0.00003; gnomAD 0.00006 and 0.00005; TOPMed 0.00004.

Submissions (2):

Labcorp Genetics (formerly Invitae), Labcorp
Classification: Uncertain significance. Last evaluated: 2024-10-15. Review status: criteria provided, single submitter. Criteria: Invitae Variant Classification Sherloc (09022015). Collection method: clinical testing. Allele origin: germline.
Comment: This sequence change replaces alanine, which is neutral and non-polar, with valine, which is neutral and non-polar, at codon 319 of the SHPK protein (p.Ala319Val). This variant is present in population databases (rs777548061, gnomAD 0.01%). This variant has not been reported in the literature in individuals affected with SHPK-related conditions. ClinVar contains an entry for this variant (Variation ID: 1361241). An algorithm developed to predict the effect of missense changes on protein structure and function (PolyPhen-2) suggests that this variant is likely to be disruptive. In summary, the available evidence is currently insufficient to determine the role of this variant in disease. Therefore, it has been classified as a Variant of Uncertain Significance.

Ambry Genetics
Classification: Uncertain significance. Last evaluated: 2024-07-06. Review status: criteria provided, single submitter. Criteria: Ambry Variant Classification Scheme 2023. Collection method: clinical testing. Allele origin: germline.

NM_013276.4(SHPK):c.956C>T (p.Ala319Val)

Gene: SHPK (sedoheptulokinase; minus strand). Cytogenetic location: 17p13.2.
Variant type: single nucleotide variant.
Coding change: c.956C>T on transcript NM_013276.4 (MANE Select); coding-DNA position 956, C replaced by T.
Protein change: p.Ala319Val; replaces alanine 319 with valine.
Molecular consequence: missense variant.
Genome position (GRCh38, 1-based): chr17:3,615,405, G>A on the plus strand (C>T on the coding strand, the complement: SHPK is on the minus strand). VCF-style: chr17-3615405-G-A. GRCh37 (hg19) VCF-style: chr17-3518699-G-A.
Other names: c.956C>T (NM_013276.2); short protein forms A319V.
Identifiers: ClinVar variation 1361241 (VCV001361241.9), dbSNP rs777548061, ClinGen allele CA8291166.
Genomic context (GRCh38, chr17:3,615,405, plus strand): 5'-GCCATCCACTGAACCAGCATGTGGACGAACGTGGCCAGCACATTGCCCCCGTTGAGTGAC[G>A]CGGCCACCCCCAGGTAGGTCCTGTTGAAGTATGGGAAGTAGGCGACTGGGGCCGTAGGGT-3'
Protein context (NP_037408.2, residues 309-329): YFNRTYLGVA[Ala319Val]SLNGGNVLAT